The following is an entry in ClinVar:

NM_014014.5(SNRNP200):c.6397A>G (p.Ser2133Gly)

Gene: SNRNP200 (small nuclear ribonucleoprotein U5 subunit 200; minus strand). Cytogenetic location: 2q11.2.
Variant type: single nucleotide variant.
Coding change: c.6397A>G on transcript NM_014014.5 (MANE Select); coding-DNA position 6397, A replaced by G.
Protein change: p.Ser2133Gly; replaces serine 2133 with glycine.
Molecular consequence: missense variant.
Genome position (GRCh38, 1-based): chr2:96,275,026, T>C on the plus strand (A>G on the coding strand, the complement: SNRNP200 is on the minus strand). VCF-style: chr2-96275026-T-C. GRCh37 (hg19) VCF-style: chr2-96940764-T-C.
Other names: short protein forms S2133G.
Identifiers: ClinVar variation 2073385 (VCV002073385.4), dbSNP rs2467306994, ClinGen allele CA347653882.
Genomic context (GRCh38, chr2:96,275,026, plus strand): 5'-AATTCAGGCTCAACTCTCCTTTACCCAAAAGTAAATGCCTCAGGACTCAATCTGAATCAC[T>C]GTCTGTCTCAGCTTCTTTCACATCCACGCTGAATTTGTACTCCTGGTCACATCCCATGTA-3'
Protein context (NP_054733.2, residues 2123-2136): SVDVKEAETD[Ser2133Gly]DSD

ClinVar aggregate classification (germline): Uncertain significance (1 of 4 stars; one submission).

Submission:

Labcorp Genetics (formerly Invitae), Labcorp
Classification: Uncertain significance. Last evaluated: 2024-10-29. Review status: criteria provided, single submitter. Criteria: Invitae Variant Classification Sherloc (09022015). Collection method: clinical testing. Allele origin: germline.
Comment: This sequence change replaces serine, which is neutral and polar, with glycine, which is neutral and non-polar, at codon 2133 of the SNRNP200 protein (p.Ser2133Gly). This variant is not present in population databases (gnomAD no frequency). This variant has not been reported in the literature in individuals affected with SNRNP200-related conditions. ClinVar contains an entry for this variant (Variation ID: 2073385). Invitae Evidence Modeling of protein sequence and biophysical properties (such as structural, functional, and spatial information, amino acid conservation, physicochemical variation, residue mobility, and thermodynamic stability) indicates that this missense variant is not expected to disrupt SNRNP200 protein function with a negative predictive value of 95%. Algorithms developed to predict the effect of sequence changes on RNA splicing suggest that this variant may create or strengthen a splice site. In summary, the available evidence is currently insufficient to determine the role of this variant in disease. Therefore, it has been classified as a Variant of Uncertain Significance.